The following is an entry in ClinVar:

NM_177438.3(DICER1):c.4272_4273dup (p.Glu1425fs)

Gene: DICER1 (dicer 1, ribonuclease III; minus strand). Cytogenetic location: 14q32.13.
Variant type: Duplication.
Coding change: c.4272_4273dup on transcript NM_177438.3 (MANE Select); coding-DNA positions 4272 to 4273, 2 bases duplicated (GG; older notation c.4272_4273dupGG).
Protein change: p.Glu1425fs; shifts the reading frame from glutamic acid 1425.
Molecular consequence: frameshift variant. On other transcripts: non-coding transcript variant (6).
Genome position (GRCh38, 1-based): chr14:95,096,647-95,096,648, CC duplicated on the plus strand (GG on the coding strand, the reverse complement: DICER1 is on the minus strand). VCF-style (leftmost placement, unchanged base first): chr14-95096646-T-TCC. GRCh37 (hg19) VCF-style: chr14-95562983-T-TCC.
Other names: c.4272_4273dupGG (NM_177438.2); c.4272_4273dup, p.Glu1425fs (NM_001195573.1, NM_001271282.3, NM_001291628.2 and 12 more transcripts); c.3990_3991dup, p.Glu1331fs (NM_001395686.1); c.3867_3868dup, p.Glu1290fs (NM_001395687.1, NM_001395688.1, NM_001395689.1 and 2 more transcripts); c.3705_3706dup, p.Glu1236fs (NM_001395691.1); c.2589_2590dup, p.Glu864fs (NM_001395697.1); short protein forms E1236fs, E1331fs, E1425fs, E1290fs, E864fs.
Identifiers: ClinVar variation 3272029 (VCV003272029.1).

ClinVar aggregate classification (germline): Pathogenic (1 of 4 stars; one submission).

Conditions:
Hereditary cancer-predisposing syndrome. Also called: Tumor predisposition; Hereditary Cancer Syndrome; Hereditary neoplastic syndrome; Neoplastic Syndromes, Hereditary. Identifiers: Orphanet 140162, MedGen C0027672, MeSH D009386, MONDO:0015356.

Submission:

Ambry Genetics
Classification: Pathogenic for Hereditary cancer-predisposing syndrome. Last evaluated: 2024-06-05. Review status: criteria provided, single submitter. Criteria: Ambry Variant Classification Scheme 2023. Collection method: clinical testing. Allele origin: germline.
Comment: The c.4272_4273dupGG pathogenic mutation, located in coding exon 22 of the DICER1 gene, results from a duplication of GG at nucleotide position 4272, causing a translational frameshift with a predicted alternate stop codon (p.E1425Gfs*4). This alteration is expected to result in loss of function by premature protein truncation or nonsense-mediated mRNA decay. This variant is considered to be rare based on population cohorts in the Genome Aggregation Database (gnomAD). As such, this alteration is interpreted as a disease-causing mutation.